The following is an entry in ClinVar:

ClinVar aggregate classification (germline): Likely benign. Review status: criteria provided, single submitter (1 of 4 stars). 2 submissions from 2 submitters: Likely benign (1). 1 of the submissions does not count toward it. Last evaluated 2025-09-30.

Conditions:
EP300-related disorder. Also called: EP300-related condition; EP300-related disorders.
Rubinstein-Taybi syndrome due to EP300 haploinsufficiency. Also called: EP300-Related Rubinstein-Taybi Syndrome; RUBINSTEIN-TAYBI SYNDROME 2. Identifiers: Orphanet 353284, Orphanet 783, MedGen C3150941, MONDO:0013364, OMIM 613684.

gnomAD v4.1: 3 of 1,613,840 alleles (0.00019%); highest among the groups gnomAD compares: Non-Finnish European, 0.00017%; no homozygotes.

Submissions (2):

Labcorp Genetics (formerly Invitae), Labcorp
Classification: Likely benign for Rubinstein-Taybi syndrome due to EP300 haploinsufficiency. Last evaluated: 2025-09-30. Review status: criteria provided, single submitter. Criteria: Invitae Variant Classification Sherloc (09022015). Collection method: clinical testing. Allele origin: germline.

PreventionGenetics, part of Exact Sciences
Classification: Likely benign for EP300-related condition. Last evaluated: 2024-07-22. Review status: no assertion criteria provided. Collection method: clinical testing. Allele origin: germline. Not counted in ClinVar's aggregate classification.
Comment: This variant is classified as likely benign based on ACMG/AMP sequence variant interpretation guidelines (Richards et al. 2015 PMID: 25741868, with internal and published modifications).

NM_001429.4(EP300):c.2187A>G (p.Gln729=)

Gene: EP300 (EP300 lysine acetyltransferase; plus strand). Cytogenetic location: 22q13.2.
Variant type: single nucleotide variant.
Coding change: c.2187A>G on transcript NM_001429.4 (MANE Select); coding-DNA position 2187, A replaced by G.
Protein change: p.Gln729=; no amino-acid change (glutamine 729 retained).
Molecular consequence: synonymous variant.
Genome position (GRCh38, 1-based): chr22:41,147,892, A>G. VCF-style: chr22-41147892-A-G. GRCh37 (hg19) VCF-style: chr22-41543896-A-G.
Other names: c.2109A>G, p.Gln703= (NM_001362843.2).
Identifiers: ClinVar variation 3350199 (VCV003350199.3).